The following is an entry in ClinVar:

ClinVar aggregate classification (germline): Likely pathogenic. Review status: criteria provided, single submitter (1 of 4 stars). 2 submissions from 2 submitters: Likely pathogenic (1). 1 of the submissions does not count toward it. Last evaluated 2026-05-08.

Conditions:
Pheochromocytoma. Also called: MAX-Related Hereditary Paraganglioma-Pheochromocytoma Syndrome. Identifiers: Orphanet 29072, MedGen C0031511, MONDO:0008233, OMIM 171300, HP:0002666.
PHEOCHROMOCYTOMA/PARAGANGLIOMA SYNDROME 8 (PPGL8). Identifiers: MedGen CN382246, OMIM 621687.

Submissions (2):

Institute of Human Genetics, University of Leipzig Medical Center
Classification: Likely pathogenic for Pheochromocytoma. Last evaluated: 2026-05-08. Review status: criteria provided, single submitter. Criteria: ACMG Guidelines, 2015. Collection method: clinical testing. Allele origin: unknown. Inheritance: Autosomal dominant inheritance. Affected: yes.
Comment: Criteria applied: PVS1_STR,PM2,PS4_SUP

OMIM
Classification: Pathogenic for PHEOCHROMOCYTOMA/PARAGANGLIOMA SYNDROME 8. Last evaluated: 2026-09-02. Review status: no assertion criteria provided. Collection method: literature only. Allele origin: germline. Not counted in ClinVar's aggregate classification.

Literature cited by the submitters: PubMed 28384794 (cited by OMIM).

NM_017849.4(TMEM127):c.572del (p.Thr191fs)

Gene: TMEM127 (transmembrane protein 127; minus strand). Cytogenetic location: 2q11.2.
Variant type: Deletion.
Coding change: c.572del on transcript NM_017849.4 (MANE Select); coding-DNA position 572, one base deleted (C; older notation c.572delC).
Protein change: p.Thr191fs; shifts the reading frame from threonine 191.
Molecular consequence: frameshift variant.
Genome position (GRCh38, 1-based): chr2:96,253,953, G deleted on the plus strand (C on the coding strand, the reverse complement: TMEM127 is on the minus strand). VCF-style (leftmost placement, unchanged base first): chr2-96253952-CG-C. GRCh37 (hg19) VCF-style: chr2-96919690-CG-C.
Other names: c.572del, p.Thr191fs (NM_001193304.3); c.320del, p.Thr107fs (NM_001407282.1, NM_001407283.1); c.572delC, p.Thr191Argfs (NM_017849.3); short protein forms T107fs, T191fs.
Identifiers: ClinVar variation 4857424 (VCV004857424.2).